The following is an entry in ClinVar:

ClinVar aggregate classification (germline): Uncertain significance (1 of 4 stars; one submission).

Submission:

GeneDx
Classification: Uncertain significance. Last evaluated: 2023-09-21. Review status: criteria provided, single submitter. Criteria: GeneDx Variant Classification Process June 2021. Collection method: clinical testing. Allele origin: germline. Affected: yes.
Comment: Reported using an alternate transcript of the gene; Not observed at significant frequency in large population cohorts (gnomAD); Frameshift variant predicted to result in protein truncation or nonsense mediated decay in a gene or region of a gene for which loss of function is not a well-established mechanism of disease; Has not been previously published as pathogenic or benign to our knowledge

NM_001286577.2(C2CD3):c.6435_6436dup (p.Ser2146fs)

Gene: C2CD3 (C2 domain containing 3 centriole elongation regulator; minus strand). Cytogenetic location: 11q13.4.
Variant type: Duplication.
Coding change: c.6435_6436dup on transcript NM_001286577.2 (MANE Select); coding-DNA positions 6435 to 6436, 2 bases duplicated (TT; older notation c.6435_6436dupTT).
Protein change: p.Ser2146fs; shifts the reading frame from serine 2146.
Molecular consequence: frameshift variant.
Genome position (GRCh38, 1-based): chr11:74,033,724-74,033,725, AA duplicated on the plus strand (TT on the coding strand, the reverse complement: C2CD3 is on the minus strand). VCF-style (leftmost placement, unchanged base first): chr11-74033723-G-GAA. GRCh37 (hg19) VCF-style: chr11-73744768-G-GAA.
Other names: short protein forms S2146fs.
Identifiers: ClinVar variation 1806695 (VCV001806695.3), dbSNP rs2496201377, ClinGen allele CA2580084873.